The following is an entry in ClinVar:

ClinVar aggregate classification (germline): Likely benign (0 of 4 stars; one submission).

Conditions:
PLXNA4-related disorder. Also called: PLXNA4-related condition.

Allele frequency attached by ClinVar (database versions not stated): ESP Exome Variant Server 0.00023; gnomAD 0.00042; TOPMed 0.00043; 1000 Genomes Project 30x 0.00047; ExAC 0.00055; 1000 Genomes Project 0.00060.
gnomAD v4.1: 1,071 of 1,611,064 alleles (0.066%); highest among the groups gnomAD compares: Non-Finnish European, 0.084%; 1 homozygote.

Submission:

PreventionGenetics, part of Exact Sciences
Classification: Likely benign for PLXNA4-related condition. Last evaluated: 2024-04-30. Review status: no assertion criteria provided. Collection method: clinical testing. Allele origin: germline.
Comment: This variant is classified as likely benign based on ACMG/AMP sequence variant interpretation guidelines (Richards et al. 2015 PMID: 25741868, with internal and published modifications).

NM_020911.2(PLXNA4):c.2294C>T (p.Thr765Ile)

Gene: PLXNA4 (plexin A4; minus strand). Cytogenetic location: 7q32.3.
Variant type: single nucleotide variant.
Coding change: c.2294C>T on transcript NM_020911.2 (MANE Select); coding-DNA position 2294, C replaced by T.
Protein change: p.Thr765Ile; replaces threonine 765 with isoleucine.
Molecular consequence: missense variant.
Genome position (GRCh38, 1-based): chr7:132,210,947, G>A on the plus strand (C>T on the coding strand, the complement: PLXNA4 is on the minus strand). VCF-style: chr7-132210947-G-A. GRCh37 (hg19) VCF-style: chr7-131895706-G-A.
Other names: c.2294C>T, p.Thr765Ile (NM_001393897.1); short protein forms T765I.
Identifiers: ClinVar variation 2634266 (VCV002634266.3), dbSNP rs201526825, ClinGen allele CA4489851.